The following is an entry in ClinVar:

ClinVar aggregate classification (germline): Pathogenic/Likely pathogenic. Review status: criteria provided, multiple submitters, no conflicts (2 of 4 stars). 19 submissions from 18 submitters: Pathogenic (13); Likely pathogenic (5). 1 of the submissions does not count toward it. Last evaluated 2026-07-03.

Conditions:
Optic atrophy. Identifiers: MedGen C0029124, MONDO:0003608, HP:0000648.
Optic neuropathy. Also called: Optic nerve disorder. Identifiers: MedGen C3887709, MONDO:0002135, HP:0001138.
Leber-like hereditary optic neuropathy, autosomal recessive 1 (LHONAR1). Also called: MITOCHONDRIAL COMPLEX I DEFICIENCY, NUCLEAR TYPE 38. Identifiers: MedGen CN376811, MONDO:0958183, OMIM 619382.
DNAJC30-related disorder. Also called: DNAJC30-related condition.
Leber optic atrophy, susceptibility to. Also called: LEBER HEREDITARY OPTIC NEUROPATHY, MODIFIER OF; LHON, MODIFIER OF. Identifiers: Orphanet 104, MedGen C1839891, MONDO:0010640, OMIM 308905.
Retinal dystrophy. Also called: Inherited retinal dystrophy. Identifiers: Orphanet 71862, MedGen C0854723, MeSH D058499, MONDO:0019118, HP:0000556.
Leber hereditary optic neuropathy, autosomal recessive (LHONAR). Identifiers: MedGen C5543589, MONDO:0030309.

Allele frequency attached by ClinVar (database versions not stated): ESP Exome Variant Server 0.00062; TOPMed 0.00065; gnomAD 0.00111 and 0.00112; 1000 Genomes Project 30x 0.00016; 1000 Genomes Project 0.00020.

Submissions (19):

North West Genomic Laboratory Hub, Manchester University NHS Foundation Trust
Classification: Likely pathogenic for Optic neuropathy. Last evaluated: 2026-07-03. Review status: criteria provided, single submitter. Criteria: ACGS Best Practice Guidelines for Variant Classification in Rare Disease 2024. Collection method: clinical testing. Allele origin: germline. Affected: yes.
Comment: PM2_Mod PM3_Str PP3_Supp

CeGaT Center for Human Genetics Tuebingen
Classification: Pathogenic. Last evaluated: 2026-07-01. Review status: criteria provided, single submitter. Criteria: CeGaT Center For Human Genetics Tuebingen Variant Classification Criteria Version 2. Collection method: clinical testing. Allele origin: germline. Affected: yes. Observed: 1 variant allele.
Comment: DNAJC30: PM3:Very Strong, PP1:Strong, PM2:Supporting

PreventionGenetics, part of Exact Sciences
Classification: Pathogenic for DNAJC30-related condition. Last evaluated: 2026-04-24. Review status: criteria provided, single submitter. Criteria: ACMG Guidelines, 2015. Collection method: clinical testing. Allele origin: germline.
Comment: The DNAJC30 c.152A>G variant is predicted to result in the amino acid substitution p.Tyr51Cys. This variant is considered a founder mutation in Eastern European populations and has been reported in the homozygous and compound heterozygous states in many individuals with autosomal recessive Leber hereditary optic neuropathy (LHON; Stenton et al. 2021. PubMed ID: 33465056; Kieninger et al. 2022. PubMed ID: 35091433; Stenton et al. 2022. PubMed ID: 35148383; Skorczyk-Werner et al. 2023. PubMed ID: 38139324). This variant has also been observed in multiple individuals with Leigh syndrome (Zawadzka et al. 2022. PubMed ID: 35861300) and one individual with combined LHON and multiple sclerosis (a.k.a., Harding syndrome; KamaliZonouzi and Micieli et al. 2025. PubMed ID: 40182509). Co-segregation with incomplete penetrance has been observed in multiple families with higher penetrance in male versus female patients (Stenton et al. 2021. PubMed ID: 33465056; Stenton et al. 2022. PubMed ID: 35148383). Functional studies using patient-derived fibroblast cell lines have demonstrated that this variant leads to greatly reduced protein expression and impaired function (Stenton et al. 2021. PubMed ID: 33465056; Zawadzka et al. 2022. PubMed ID: 35861300). This variant is present in 0.48% of alleles in individuals of European (Finnish) descent in gnomAD. Given the evidence, this variant is interpreted as pathogenic.

GeneDx
Classification: Pathogenic. Last evaluated: 2026-03-12. Review status: criteria provided, single submitter. Criteria: GeneDx Variant Classification Process June 2021. Collection method: clinical testing. Allele origin: germline.
Comment: In silico analysis supports that this missense variant has a deleterious effect on protein structure/function; This variant is associated with the following publications: (PMID: 39843441, 36388184, 37579815, 37734845, 35148383, 35091433, 36674591, 36359543, 36294366, 38715355, 39132756, 38139324, 33465056, 35861300, 37071596, 38757769, 38107630, 38927562)

Institute of Human Genetics Munich, TUM University Hospital
Classification: Pathogenic for Leber-like hereditary optic neuropathy, autosomal recessive 1. Last evaluated: 2025-03-25. Review status: criteria provided, single submitter. Criteria: Classification criteria August 2017. Collection method: clinical testing. Allele origin: inherited. Inheritance: Autosomal recessive inheritance. Affected: yes. Observed: 1 variant allele.

Blueprint Genetics
Classification: Pathogenic for DNAJC30-related disorders. Last evaluated: 2024-11-25. Review status: criteria provided, single submitter. Criteria: ACMG Guidelines, 2015. Collection method: clinical testing. Allele origin: germline. Affected: yes. Observed: 5 variant alleles.

Laboratorio de Genetica e Diagnostico Molecular, Hospital Israelita Albert Einstein
Classification: Likely pathogenic for Leber-like hereditary optic neuropathy, autosomal recessive 1. Last evaluated: 2024-11-11. Review status: criteria provided, single submitter. Criteria: ACMG Guidelines, 2015. Collection method: clinical testing. Allele origin: germline. Affected: yes.
Comment: ACMG classification criteria: PM3 strong, PP1 supporting, PP3 supporting

3billion
Classification: Pathogenic for Leber-like hereditary optic neuropathy, autosomal recessive 1. Last evaluated: 2024-08-29. Review status: criteria provided, single submitter. Criteria: ACMG Guidelines, 2015. Collection method: clinical testing. Allele origin: germline. Affected: yes.
Comment: The variant is observed at an extremely low frequency in the gnomAD v4.0.0 dataset (total allele frequency: 0.076%). Predicted Consequence/Location: Missense variant In silico tool predictions suggest damaging effect of the variant on gene or gene product [REVEL: 0.90 (>=0.6, sensitivity 0.68 and specificity 0.92); 3Cnet: 0.88 (>=0.6, sensitivity 0.72 and precision 0.9)]. The same nucleotide change resulting in the same amino acid change has been previously reported as pathogenic/likely pathogenic with strong evidence (ClinVar ID: VCV000976691 /PMID: 33465056 /3billion dataset). The variant has been reported to be in trans with a pathogenic variant as either compound heterozygous or homozygous in at least 2 similarly affected unrelated individuals (PMID: 33465056). Therefore, this variant is classified as Pathogenic according to the recommendation of ACMG/AMP guideline.

Genetics and Personalized Medicine Clinic, Tartu University Hospital
Classification: Pathogenic for Leber-like hereditary optic neuropathy, autosomal recessive 1. Last evaluated: 2023-07-10. Review status: criteria provided, single submitter. Criteria: ACMG Guidelines, 2015. Collection method: clinical testing. Allele origin: germline. Inheritance: Autosomal recessive inheritance. Affected: yes. Observed: 2 homozygotes.
Comment: Observed in two unrelated cases in homozygosity, both had the clinical diagnosis of LHON.

Institute of Human Genetics, Univ. Regensburg, Univ. Regensburg
Classification: Pathogenic for Optic atrophy. Last evaluated: 2023-01-01. Review status: criteria provided, single submitter. Criteria: ACMG Guidelines, 2015. Collection method: clinical testing. Allele origin: germline. Affected: yes.

Institute of Human Genetics, Univ. Regensburg, Univ. Regensburg
Classification: Pathogenic for Retinal dystrophy. Last evaluated: 2023-01-01. Review status: criteria provided, single submitter. Criteria: ACMG Guidelines, 2015. Collection method: clinical testing. Allele origin: germline. Affected: yes.

Department of Pathology and Laboratory Medicine, Sinai Health System
Classification: Likely pathogenic for Leber-like hereditary optic neuropathy, autosomal recessive 1. Last evaluated: 2022-11-14. Review status: criteria provided, single submitter. Criteria: ACMG Guidelines, 2015. Collection method: research. Allele origin: germline.

MGZ Medical Genetics Center
Classification: Likely pathogenic for Leber-like hereditary optic neuropathy, autosomal recessive 1. Last evaluated: 2022-04-11. Review status: criteria provided, single submitter. Criteria: ACMG Guidelines, 2015. Collection method: clinical testing. Allele origin: germline. Affected: yes. Observed: 3 variant alleles.
Comment: ACMG criteria applied: PS3_MOD, PM1, PP1, PP3

Laboratory of Medical Genetics, National & Kapodistrian University of Athens
Classification: Pathogenic for Leber-like hereditary optic neuropathy, autosomal recessive 1. Last evaluated: 2021-10-05. Review status: criteria provided, single submitter. Criteria: ACMG Guidelines, 2015. Collection method: clinical testing. Allele origin: unknown. Affected: yes.
Comment: PS3, PM1, PP3, PP5

Genetics Laboratory, Department of Biology, Semnan University
Classification: Likely pathogenic for Leber-like hereditary optic neuropathy, autosomal recessive 1. Last evaluated: 2021-07-29. Review status: criteria provided, single submitter. Criteria: ACMG Guidelines, 2015. Collection method: research. Allele origin: germline. Inheritance: Autosomal recessive inheritance. Affected: no. Observed: 1 variant allele, 1 heterozygote.
Comment: The identified variant leads to the substitution of Tyrosine 51 with Cysteine (Y51C) in the DNAJC30 protein. Hence, this substitution could alter the amino acid sequence and could leads to a decreased function of mutated protein.

Institute of Medical Genetics and Applied Genomics, University Hospital Tübingen
Classification: Pathogenic. Last evaluated: 2021-02-01. Review status: criteria provided, single submitter. Criteria: ACMG Guidelines, 2015. Collection method: clinical testing. Allele origin: germline. Inheritance: Autosomal recessive inheritance. Affected: yes.

Imagene.me medical diagnostic laboratory, IMAGENE.ME SA
Classification: Pathogenic for Leber-like hereditary optic neuropathy, autosomal recessive 1. Review status: criteria provided, single submitter. Criteria: IMAGENE.ME Variant Classification SOP 2022. Collection method: clinical testing. Allele origin: germline. Affected: yes.
Comment: Classified according to the IMAGENE.ME variant classification SOP based on the ACMG guidelines as Pathogenic (P): PS3 + PS4 + PM1 + PP1_Moderate + PP3_Moderate + PP4 + PP5

Institute of Human Genetics, University Hospital of Duesseldorf
Classification: Pathogenic for Leber optic atrophy, susceptibility to. Review status: criteria provided, single submitter. Criteria: ACMG Guidelines, 2015. Collection method: not provided. Allele origin: germline. Inheritance: Autosomal recessive inheritance. Affected: yes.

OMIM
Classification: Pathogenic for LEBER-LIKE HEREDITARY OPTIC NEUROPATHY, AUTOSOMAL RECESSIVE 1. Last evaluated: 2024-01-09. Review status: no assertion criteria provided. Collection method: literature only. Allele origin: germline. Not counted in ClinVar's aggregate classification.

Literature cited by the submitters: PubMed 33465056 (cited by 3 submitters); PubMed 35091433 (cited by Institute of Human Genetics, Univ. Regensburg, Univ. Regensburg and OMIM); PubMed 36388184 (cited by Institute of Human Genetics, Univ. Regensburg, Univ. Regensburg); PubMed 35148383 (cited by Institute of Human Genetics, Univ. Regensburg, Univ. Regensburg and OMIM); PubMed 35861300 (cited by Institute of Human Genetics, Univ. Regensburg, Univ. Regensburg and OMIM); DOI 10.3390/ijms242417496 (cited by Genetics Laboratory, Department of Biology, Semnan University); PubMed 37579815 (cited by OMIM).

NM_032317.3(DNAJC30):c.152A>G (p.Tyr51Cys)

Genes: DNAJC30 (DnaJ heat shock protein family (Hsp40) member C30; minus strand), LOC129998603 (ATAC-STARR-seq lymphoblastoid active region 26127; plus strand). Cytogenetic location: 7q11.23.
Variant type: single nucleotide variant.
Coding change: c.152A>G on transcript NM_032317.3 (MANE Select); coding-DNA position 152, A replaced by G.
Protein change: p.Tyr51Cys; replaces tyrosine 51 with cysteine.
Molecular consequence: missense variant.
Genome position (GRCh38, 1-based): chr7:73,683,272, T>C on the plus strand (A>G on the coding strand, the complement: DNAJC30 is on the minus strand). VCF-style: chr7-73683272-T-C. GRCh37 (hg19) VCF-style: chr7-73097602-T-C.
Other names: short protein forms Y51C.
Identifiers: ClinVar variation 976691 (VCV000976691.27), dbSNP rs61732167, ClinGen allele CA4289988.